The following is an entry in ClinVar:

NM_000075.4(CDK4):c.541C>G (p.Arg181Gly)

Gene: CDK4 (cyclin dependent kinase 4; minus strand). Cytogenetic location: 12q14.1.
Variant type: single nucleotide variant.
Coding change: c.541C>G on transcript NM_000075.4 (MANE Select); coding-DNA position 541, C replaced by G.
Protein change: p.Arg181Gly; replaces arginine 181 with glycine.
Molecular consequence: missense variant.
Genome position (GRCh38, 1-based): chr12:57,750,747, G>C on the plus strand (C>G on the coding strand, the complement: CDK4 is on the minus strand). VCF-style: chr12-57750747-G-C. GRCh37 (hg19) VCF-style: chr12-58144530-G-C.
Other names: short protein forms R181G.
Identifiers: ClinVar variation 662499 (VCV000662499.11), dbSNP rs1595110257, ClinGen allele CA385545946.

ClinVar aggregate classification (germline): Uncertain significance. Review status: criteria provided, multiple submitters, no conflicts (2 of 4 stars). 2 submissions from 2 submitters: Uncertain significance (2). Last evaluated 2022-10-12.

Conditions:
Familial melanoma. Also called: Hereditary melanoma; Hereditary cutaneous melanoma. Identifiers: Orphanet 618, MedGen C1512419, MONDO:0018961.
Hereditary cancer-predisposing syndrome. Also called: Neoplastic Syndromes, Hereditary; Tumor predisposition; Hereditary neoplastic syndrome; Hereditary Cancer Syndrome. Identifiers: Orphanet 140162, MedGen C0027672, MeSH D009386, MONDO:0015356.

Submissions (2):

Ambry Genetics
Classification: Uncertain significance for Hereditary cancer-predisposing syndrome. Last evaluated: 2022-10-12. Review status: criteria provided, single submitter. Criteria: Ambry Variant Classification Scheme 2023. Collection method: clinical testing. Allele origin: germline.
Comment: The p.R181G variant (also known as c.541C>G), located in coding exon 4 of the CDK4 gene, results from a C to G substitution at nucleotide position 541. The arginine at codon 181 is replaced by glycine, an amino acid with dissimilar properties. This amino acid position is conserved. In addition, this alteration is predicted to be deleterious by in silico analysis. Since supporting evidence is limited at this time, the clinical significance of this alteration remains unclear.

Labcorp Genetics (formerly Invitae), Labcorp
Classification: Uncertain significance for Familial melanoma. Last evaluated: 2022-02-28. Review status: criteria provided, single submitter. Criteria: Invitae Variant Classification Sherloc (09022015). Collection method: clinical testing. Allele origin: germline.
Comment: Advanced modeling of protein sequence and biophysical properties (such as structural, functional, and spatial information, amino acid conservation, physicochemical variation, residue mobility, and thermodynamic stability) performed at Invitae indicates that this missense variant is expected to disrupt CDK4 protein function. In summary, the available evidence is currently insufficient to determine the role of this variant in disease. Therefore, it has been classified as a Variant of Uncertain Significance. Algorithms developed to predict the effect of sequence changes on RNA splicing suggest that this variant may create or strengthen a splice site. This sequence change replaces arginine, which is basic and polar, with glycine, which is neutral and non-polar, at codon 181 of the CDK4 protein (p.Arg181Gly). This variant is not present in population databases (gnomAD no frequency). This variant has not been reported in the literature in individuals affected with CDK4-related conditions. ClinVar contains an entry for this variant (Variation ID: 662499).